The following is an entry in ClinVar:

NM_016032.4(ZDHHC9):c.116A>G (p.Tyr39Cys)

Gene: ZDHHC9 (zDHHC palmitoyltransferase 9; minus strand). Cytogenetic location: Xq26.1.
Variant type: single nucleotide variant.
Coding change: c.116A>G on transcript NM_016032.4 (MANE Select); coding-DNA position 116, A replaced by G.
Protein change: p.Tyr39Cys; replaces tyrosine 39 with cysteine.
Molecular consequence: missense variant.
Genome position (GRCh38, 1-based): chrX:129,841,830, T>C on the plus strand (A>G on the coding strand, the complement: ZDHHC9 is on the minus strand). VCF-style: chrX-129841830-T-C. GRCh37 (hg19) VCF-style: chrX-128975806-T-C.
Other names: c.116A>G, p.Tyr39Cys (NM_001008222.3); short protein forms Y39C.
Identifiers: ClinVar variation 3344200 (VCV003344200.3).
Genomic context (GRCh38, chrX:129,841,830, plus strand): 5'-GAAACTCACTCAAAGGCGAAGAAGAGTGTACATGTCCCCAGGATGAGGAAAAGGGTCAGG[T>C]AGAAAATGCCCTTTTGCCGGGCCATCATGACGCGGCCATCACAGCAAAAGGTGTTCCTGC-3'
Protein context (NP_057116.2, residues 29-49): VMMARQKGIF[Tyr39Cys]LTLFLILGTC

ClinVar aggregate classification (germline): Uncertain significance. Review status: criteria provided, single submitter (1 of 4 stars). 2 submissions from 2 submitters: Uncertain significance (1). 1 of the submissions does not count toward it. Last evaluated 2024-04-24.

Conditions:
Intellectual developmental disorder, X-linked, syndromic, Raymond type. Also called: Syndromic X-linked intellectual disability Raymond type. Identifiers: MedGen C3275406, MONDO:0010427, OMIM 300799.
ZDHHC9-related disorder. Also called: ZDHHC9-related condition.

gnomAD v4.1: 1 of 1,211,550 alleles (0.000083%); highest among the groups gnomAD compares: Non-Finnish European, 0.00011%; no homozygotes.

Submissions (2):

Labcorp Genetics (formerly Invitae), Labcorp
Classification: Uncertain significance for Intellectual developmental disorder, X-linked, syndromic, Raymond type. Last evaluated: 2024-04-24. Review status: criteria provided, single submitter. Criteria: Invitae Variant Classification Sherloc (09022015). Collection method: clinical testing. Allele origin: germline.
Comment: This sequence change replaces tyrosine, which is neutral and polar, with cysteine, which is neutral and slightly polar, at codon 39 of the ZDHHC9 protein (p.Tyr39Cys). This variant is not present in population databases (gnomAD no frequency). This variant has not been reported in the literature in individuals affected with ZDHHC9-related conditions. Advanced modeling of protein sequence and biophysical properties (such as structural, functional, and spatial information, amino acid conservation, physicochemical variation, residue mobility, and thermodynamic stability) performed at Invitae indicates that this missense variant is not expected to disrupt ZDHHC9 protein function with a negative predictive value of 80%. In summary, the available evidence is currently insufficient to determine the role of this variant in disease. Therefore, it has been classified as a Variant of Uncertain Significance.

PreventionGenetics, part of Exact Sciences
Classification: Uncertain significance for ZDHHC9-related condition. Last evaluated: 2024-06-20. Review status: no assertion criteria provided. Collection method: clinical testing. Allele origin: germline. Not counted in ClinVar's aggregate classification.
Comment: The ZDHHC9 c.116A>G variant is predicted to result in the amino acid substitution p.Tyr39Cys. To our knowledge, this variant has not been reported in the literature or in a large population database, indicating this variant is rare. Although we suspect that this variant may be pathogenic, at this time, the clinical significance of this variant is uncertain due to the absence of conclusive functional and genetic evidence.